The following is an entry in ClinVar:

ClinVar aggregate classification (germline): Likely pathogenic. Review status: criteria provided, multiple submitters, no conflicts (2 of 4 stars). 3 submissions from 3 submitters: Likely pathogenic (3). Last evaluated 2025-04-08.

Conditions:
Renal tubular acidosis, distal, 3, with or without sensorineural hearing loss (DRTA3). Identifiers: MedGen C5399980, MONDO:0011268, OMIM 602722.
ATP6V0A4-related disorder. Also called: ATP6V0A4-related condition.

Submissions (3):

PreventionGenetics, part of Exact Sciences
Classification: Likely pathogenic for ATP6V0A4-related condition. Last evaluated: 2025-04-08. Review status: criteria provided, single submitter. Criteria: ACMG Guidelines, 2015. Collection method: clinical testing. Allele origin: germline.
Comment: The ATP6V0A4 c.221delA variant is predicted to result in a frameshift and premature protein termination (p.Asn74Metfs*4). To our knowledge, this variant has not been reported in individuals with ATP6V0A4 associated diseases. This variant is reported in 0.014% of alleles in individuals of Latino descent in gnomAD. Frameshift variants in ATP6V0A4 are expected to be pathogenic. This variant is interpreted as likely pathogenic.

Fulgent Genetics
Classification: Likely pathogenic for Renal tubular acidosis, distal, 3, with or without sensorineural hearing loss. Last evaluated: 2024-03-06. Review status: criteria provided, single submitter. Criteria: ACMG Guidelines, 2015. Collection method: clinical testing. Allele origin: germline.

Baylor Genetics
Classification: Likely pathogenic for Renal tubular acidosis, distal, 3, with or without sensorineural hearing loss. Last evaluated: 2023-11-30. Review status: criteria provided, single submitter. Criteria: ACMG Guidelines, 2015. Collection method: clinical testing. Allele origin: unknown.

NM_020632.3(ATP6V0A4):c.221del (p.Asn74fs)

Gene: ATP6V0A4 (ATPase H+ transporting V0 subunit a4; minus strand). Cytogenetic location: 7q34.
Variant type: Deletion.
Coding change: c.221del on transcript NM_020632.3 (MANE Select); coding-DNA position 221, one base deleted (A; older notation c.221delA).
Protein change: p.Asn74fs; shifts the reading frame from asparagine 74.
Molecular consequence: frameshift variant.
Genome position (GRCh38, 1-based): chr7:138,768,850, T deleted on the plus strand (A on the coding strand, the reverse complement: ATP6V0A4 is on the minus strand); the first of 4 consecutive T bases (chr7:138,768,850-138,768,853); deleting any one gives the same sequence. VCF-style (leftmost placement, unchanged base first): chr7-138768849-AT-A. GRCh37 (hg19) VCF-style: chr7-138453594-AT-A.
Other names: c.221del, p.Asn74fs (NM_130840.3, NM_130841.3); c.221delA (NM_020632.2); short protein forms N74fs.
Identifiers: ClinVar variation 3237500 (VCV003237500.3), dbSNP rs756281918.
Genomic context (GRCh38, chr7:138,768,849, plus strand): 5'-AATCATTTCCCGTGGGAGCGGGGTCAGTGGGCTTTTCTCGAGCAACTGAACTACAATCTC[AT>A]TTTGCATCTCGTCTTCCAGAAAACCTGAAGAATGAAAACCCACCAGAAACCCCAAGGTGA-3'